The following is an entry in ClinVar:

ClinVar aggregate classification (germline): Pathogenic (1 of 4 stars; one submission).

Submission:

CeGaT Center for Human Genetics Tuebingen
Classification: Pathogenic. Last evaluated: 2024-02-01. Review status: criteria provided, single submitter. Criteria: CeGaT Center For Human Genetics Tuebingen Variant Classification Criteria Version 2. Collection method: clinical testing. Allele origin: germline. Affected: yes. Observed: 1 variant allele.
Comment: ARFGEF1: PVS1, PM2

NM_006421.5(ARFGEF1):c.3289+1G>A

Gene: ARFGEF1 (ARF guanine nucleotide exchange factor 1; minus strand). Cytogenetic location: 8q13.2.
Variant type: single nucleotide variant.
Coding change: c.3289+1G>A on transcript NM_006421.5 (MANE Select); the canonical splice donor site of the intron after coding-DNA position 3289, G replaced by A.
Molecular consequence: splice donor variant.
Genome position (GRCh38, 1-based): chr8:67,238,342, C>T on the plus strand (G>A on the coding strand, the complement: ARFGEF1 is on the minus strand). VCF-style: chr8-67238342-C-T. GRCh37 (hg19) VCF-style: chr8-68150577-C-T.
Other names: c.3289+1G>A (NM_001413186.1, NM_001413187.1, NM_001413185.1 and 6 more transcripts); c.2689+1G>A (NM_001413188.1, NM_001413197.1, NM_001413193.1); c.1864+1G>A (NM_001413196.1); c.3283+1G>A (NM_001413190.1).
Identifiers: ClinVar variation 3027226 (VCV003027226.22), dbSNP rs2491447626, ClinGen allele CA371206029.